The following is an entry in ClinVar:

NM_000088.4(COL1A1):c.2067dup (p.Pro690fs)

Gene: COL1A1 (collagen type I alpha 1 chain; minus strand). Cytogenetic location: 17q21.33.
Variant type: Duplication.
Coding change: c.2067dup on transcript NM_000088.4 (MANE Select); coding-DNA position 2067, one base duplicated (T; older notation c.2067dupT).
Protein change: p.Pro690fs; shifts the reading frame from proline 690.
Molecular consequence: frameshift variant.
Genome position (GRCh38, 1-based): chr17:50,191,848, A duplicated on the plus strand (T on the coding strand, the reverse complement: COL1A1 is on the minus strand). VCF-style (leftmost placement, unchanged base first): chr17-50191847-G-GA. GRCh37 (hg19) VCF-style: chr17-48269208-G-GA.
Other names: short protein forms P690fs.
Identifiers: ClinVar variation 4850910 (VCV004850910.2).

ClinVar aggregate classification (germline): Pathogenic/Likely pathogenic. Review status: criteria provided, multiple submitters, no conflicts (2 of 4 stars). 2 submissions from 2 submitters: Pathogenic (1); Likely pathogenic (1). Last evaluated 2026-04-07.

Conditions:
Osteogenesis imperfecta type I (OI1). Also called: OI, TYPE I; OSTEOGENESIS IMPERFECTA TARDA; OSTEOGENESIS IMPERFECTA WITH BLUE SCLERAE; Osteogenesis imperfecta type 1; Lobstein's Disease; Lobstein disease. Identifiers: Orphanet 216796, Orphanet 666, MedGen C0023931, MONDO:0008146, OMIM 166200. Disease mechanism: loss of function.
COL1A1-related disorder. Also called: COL1A1-related condition; COL1A1- related disease.

Submissions (2):

Clinical Genetics and Genomics, Karolinska University Hospital
Classification: Pathogenic for Osteogenesis imperfecta type I. Last evaluated: 2026-04-07. Review status: criteria provided, single submitter. Criteria: ACMG Guidelines, 2015. Collection method: clinical testing. Allele origin: unknown. Affected: yes.
Comment: This frameshift variant creates a premature stop signal in the COL1A1 gene. It is expected to lead to a loss of protein function (PMID: 16199547), and loss-of-function variants in COL1A1 are known to be pathogenic (PMID: 7942841, 9295084, 9443882). This variant is not present in population databases (gnomAD no frequency).

Blueprint Genetics
Classification: Likely pathogenic for COL1A1-related disorders. Last evaluated: 2018-12-10. Review status: criteria provided, single submitter. Criteria: ACMG Guidelines, 2015. Collection method: clinical testing. Allele origin: germline. Affected: yes. Observed: 1 variant allele.